The following is an entry in ClinVar:

NM_001012759.3(CTU2):c.532G>A (p.Val178Met)

Gene: CTU2 (cytosolic thiouridylase subunit 2; plus strand). Cytogenetic location: 16q24.3.
Variant type: single nucleotide variant.
Coding change: c.532G>A on transcript NM_001012759.3 (MANE Select); coding-DNA position 532, G replaced by A.
Protein change: p.Val178Met; replaces valine 178 with methionine.
Molecular consequence: missense variant.
Genome position (GRCh38, 1-based): chr16:88,712,700, G>A. VCF-style: chr16-88712700-G-A. GRCh37 (hg19) VCF-style: chr16-88779108-G-A.
Other names: c.532G>A, p.Val178Met (NM_001012762.3); c.745G>A, p.Val249Met (NM_001318507.2); c.271G>A, p.Val91Met (NM_001318513.2); short protein forms V178M, V249M, V91M.
Identifiers: ClinVar variation 4983976 (VCV004983976.1).

ClinVar aggregate classification (germline): Uncertain significance (1 of 4 stars; one submission).

Conditions:
CTU2-related disorder. Also called: CTU2-related condition.

Submission:

PreventionGenetics, part of Exact Sciences
Classification: Uncertain significance for CTU2-related condition. Last evaluated: 2025-03-19. Review status: criteria provided, single submitter. Criteria: ACMG Guidelines, 2015. Collection method: clinical testing. Allele origin: germline.
Comment: The CTU2 c.532G>A variant is predicted to result in the amino acid substitution p.Val178Met. To our knowledge, this variant has not been reported in the literature. This variant is reported in 0.0093% of alleles in individuals of European (Finnish) descent in gnomAD. At this time, the clinical significance of this variant is uncertain due to the absence of conclusive functional and genetic evidence.